The following is an entry in ClinVar:

NM_001347721.2(DYRK1A):c.1067del (p.Asn356fs)

Gene: DYRK1A (dual specificity tyrosine phosphorylation regulated kinase 1A; plus strand). Cytogenetic location: 21q22.13.
Variant type: Deletion.
Coding change: c.1067del on transcript NM_001347721.2 (MANE Select); coding-DNA position 1067, one base deleted (A; older notation c.1067delA).
Protein change: p.Asn356fs; shifts the reading frame from asparagine 356.
Molecular consequence: frameshift variant.
Genome position (GRCh38, 1-based): chr21:37,493,159, A deleted; the last of 2 consecutive A bases (chr21:37,493,158-37,493,159); deleting either gives the same sequence. VCF-style (leftmost placement, unchanged base first): chr21-37493157-CA-C. GRCh37 (hg19) VCF-style: chr21-38865459-CA-C.
Other names: c.1067del, p.Asn356fs (NM_001347722.2, NM_130436.2); c.980del, p.Asn327fs (NM_001347723.2); c.1094del, p.Asn365fs (NM_001396.5, NM_101395.2, NM_130438.2); short protein forms N356fs, N327fs, N365fs.
Identifiers: ClinVar variation 4712131 (VCV004712131.1).

ClinVar aggregate classification (germline): Pathogenic (1 of 4 stars; one submission).

Conditions:
DYRK1A-related intellectual disability syndrome (MRD7). Also called: DYRK1A Syndrome; Intellectual developmental disorder, autosomal dominant 7. Identifiers: Orphanet 464306, MedGen C5568143, MONDO:0013578, OMIM 614104.

Submission:

Labcorp Genetics (formerly Invitae), Labcorp
Classification: Pathogenic for DYRK1A-related intellectual disability syndrome. Last evaluated: 2025-02-02. Review status: criteria provided, single submitter. Criteria: Invitae Variant Classification Sherloc (09022015). Collection method: clinical testing. Allele origin: germline.
Comment: This sequence change creates a premature translational stop signal (p.Asn365Metfs*3) in the DYRK1A gene. It is expected to result in an absent or disrupted protein product. Loss-of-function variants in DYRK1A are known to be pathogenic (PMID: 25944381). This variant is not present in population databases (gnomAD no frequency). This variant has not been reported in the literature in individuals affected with DYRK1A-related conditions. For these reasons, this variant has been classified as Pathogenic.

Literature cited by the submitters: PubMed 25944381.